The following is an entry in ClinVar:

ClinVar aggregate classification (germline): Conflicting classifications of pathogenicity. Review status: criteria provided, conflicting classifications (1 of 4 stars). 7 submissions from 7 submitters: Uncertain significance (2); Benign (1); Likely benign (4). Last evaluated 2026-01-26.

Conditions:
USH1C-related disorder. Also called: USH1C-related condition.
Usher syndrome type 1C. Also called: USHER SYNDROME, TYPE I, ACADIAN VARIETY. Identifiers: Orphanet 231169, Orphanet 886, MedGen C1848604, MONDO:0010171, OMIM 276904.

Allele frequency attached by ClinVar (database versions not stated): TOPMed 0.00052; gnomAD 0.00058 and 0.00061; gnomAD exomes 0.00068; ESP Exome Variant Server 0.00069; ExAC 0.00072.
gnomAD v4.1: 1,725 of 1,613,782 alleles (0.11%); highest among the groups gnomAD compares: Non-Finnish European, 0.14%; 4 homozygotes.

Submissions (7):

Labcorp Genetics (formerly Invitae), Labcorp
Classification: Benign. Last evaluated: 2026-01-26. Review status: criteria provided, single submitter. Criteria: Invitae Variant Classification Sherloc (09022015). Collection method: clinical testing. Allele origin: germline.

Myriad Genetics, Inc.
Classification: Uncertain significance for Usher syndrome type 1C. Last evaluated: 2025-07-23. Review status: criteria provided, single submitter. Criteria: Myriad Autosomal Dominant, Autosomal Recessive and X-Linked Classification Criteria (2023). Collection method: clinical testing. Allele origin: unknown.
Comment: NM_005709.3(USH1C):c.1086-13G>T is an intronic variant classified as a variant of uncertain significance in the context of USH1C-related disorders. c.1086-13G>T has been observed in a case with relevant disease (PMID: 22135276). Relevant functional assessments of this variant are not available in the literature. c.1086-13G>T has been observed in referenced population frequency databases. In summary, there is insufficient evidence to classify NM_005709.3(USH1C):c.1086-13G>T as pathogenic or benign. Please note: this variant was assessed in the context of healthy population screening.

Blueprint Genetics
Classification: Likely benign. Last evaluated: 2024-10-28. Review status: criteria provided, single submitter. Criteria: ACMG Guidelines, 2015. Collection method: clinical testing. Allele origin: germline.

PreventionGenetics, part of Exact Sciences
Classification: Likely benign for USH1C-related condition. Last evaluated: 2024-10-15. Review status: criteria provided, single submitter. Criteria: ACMG Guidelines, 2015. Collection method: clinical testing. Allele origin: germline.
Comment: This variant is classified as likely benign based on ACMG/AMP sequence variant interpretation guidelines (Richards et al. 2015 PMID: 25741868, with internal and published modifications).

GeneDx
Classification: Likely benign. Last evaluated: 2020-10-22. Review status: criteria provided, single submitter. Criteria: GeneDx Variant Classification Process June 2021. Collection method: clinical testing. Allele origin: germline. Affected: yes.
Comment: This variant is associated with the following publications: (PMID: 22135276)

Illumina Laboratory Services, Illumina
Classification: Uncertain significance for Usher syndrome type 1C. Last evaluated: 2018-01-13. Review status: criteria provided, single submitter. Criteria: ICSL Variant Classification Criteria 13 December 2019. Collection method: clinical testing. Allele origin: germline.

Laboratory for Molecular Medicine, Mass General Brigham Personalized Medicine
Classification: Likely benign. Last evaluated: 2015-05-17. Review status: criteria provided, single submitter. Criteria: LMM Criteria. Collection method: clinical testing. Allele origin: germline. Observed: 3 variant alleles.
Comment: c.1086-13G>T in intron 13 of USH1C: This variant is not expected to have clinica l significance because it is not located in the invariant -1/-2 positions of the splice consensus sequence, computational tools do not predict an impact to spli cing, and it has been identified in 0.1% (84/66730) of European chromosomes by t he Exome Aggregation Consortium (ExAC; dbSNP rs2 00490320). This variant has also been reported in one study of Usher sydnrome pa tients; however the authors classified it as an "unclassified variant- probably neutral" due to either its presence in a proband who already had two other causa tive variants or because it did not segregate with disease (Le Quesne Stabej 201 2).

Literature cited by the submitters: PubMed 22135276 (cited by Myriad Genetics, Inc. and Laboratory for Molecular Medicine, Mass General Brigham Personalized Medicine).

NM_153676.4(USH1C):c.1086-13G>T

Gene: USH1C (USH1 protein network component harmonin; minus strand). Cytogenetic location: 11p15.1.
Variant type: single nucleotide variant.
Coding change: c.1086-13G>T on transcript NM_153676.4 (MANE Select); 13 bases into the intron before coding-DNA position 1086, G replaced by T.
Molecular consequence: intron variant.
Genome position (GRCh38, 1-based): chr11:17,521,007, C>A on the plus strand (G>T on the coding strand, the complement: USH1C is on the minus strand). VCF-style: chr11-17521007-C-A. GRCh37 (hg19) VCF-style: chr11-17542554-C-A.
Other names: c.1029-13G>T (NM_001297764.2); c.1086-13G>T (NM_005709.4).
Identifiers: ClinVar variation 166388 (VCV000166388.22), dbSNP rs200490320, ClinGen allele CA179487.